The following is an entry in ClinVar:

ClinVar aggregate classification (germline): Conflicting classifications of pathogenicity. Review status: criteria provided, conflicting classifications (1 of 4 stars). 3 submissions from 3 submitters: Uncertain significance (1); Likely benign (1). 1 of the submissions does not count toward it. Last evaluated 2026-01-27.

Conditions:
Inborn genetic diseases. Identifiers: MedGen C0950123, MeSH D030342.
SH3PXD2B-related disorder. Also called: SH3PXD2B-related condition.

Allele frequency attached by ClinVar (database versions not stated): gnomAD exomes 0.00019; ExAC 0.00026; 1000 Genomes Project 30x 0.00047; 1000 Genomes Project 0.00060; TOPMed 0.00091; gnomAD 0.00093 and 0.00102; ESP Exome Variant Server 0.00131.
gnomAD v4.1: 354 of 1,614,148 alleles (0.022%); highest among the groups gnomAD compares: African/African-American, 0.3%; 1 homozygote.

Submissions (3):

Labcorp Genetics (formerly Invitae), Labcorp
Classification: Likely benign. Last evaluated: 2026-01-27. Review status: criteria provided, single submitter. Criteria: Invitae Variant Classification Sherloc (09022015). Collection method: clinical testing. Allele origin: germline.

Ambry Genetics
Classification: Uncertain significance for Inborn genetic diseases. Last evaluated: 2021-08-09. Review status: criteria provided, single submitter. Criteria: Ambry Variant Classification Scheme 2023. Collection method: clinical testing. Allele origin: germline.

PreventionGenetics, part of Exact Sciences
Classification: Likely benign for SH3PXD2B-related condition. Last evaluated: 2023-01-04. Review status: no assertion criteria provided. Collection method: clinical testing. Allele origin: germline. Not counted in ClinVar's aggregate classification.
Comment: This variant is classified as likely benign based on ACMG/AMP sequence variant interpretation guidelines (Richards et al. 2015 PMID: 25741868, with internal and published modifications).

NM_001017995.3(SH3PXD2B):c.2398G>A (p.Val800Ile)

Gene: SH3PXD2B (SH3 and PX domains 2B; minus strand). Cytogenetic location: 5q35.1.
Variant type: single nucleotide variant.
Coding change: c.2398G>A on transcript NM_001017995.3 (MANE Select); coding-DNA position 2398, G replaced by A.
Protein change: p.Val800Ile; replaces valine 800 with isoleucine.
Molecular consequence: missense variant. On other transcripts: intron variant (1).
Genome position (GRCh38, 1-based): chr5:172,338,707, C>T on the plus strand (G>A on the coding strand, the complement: SH3PXD2B is on the minus strand). VCF-style: chr5-172338707-C-T. GRCh37 (hg19) VCF-style: chr5-171765711-C-T.
Other names: c.1188+7429G>A (NM_001308175.2); short protein forms V800I.
Identifiers: ClinVar variation 790572 (VCV000790572.12), dbSNP rs148498348, ClinGen allele CA3560974.
Genomic context (GRCh38, chr5:172,338,707, plus strand): 5'-CTCGCGTGTCATCCTGGCCCCCCAAAGAGTTGGAGAGAAAAGGTTTGGCTTTTGGAGGGA[C>T]GAGGAGAGCACGGCCTGGGGTGGGAGCTGCCCTGCTTTCGTGGCCTTCACACTGTGGACC-3'
Protein context (NP_001017995.1, residues 790-810): AAPTPGRALL[Val800Ile]PPKAKPFLSN